The following is an entry in ClinVar:

NM_000044.6(AR):c.1139C>G (p.Pro380Arg)

Gene: AR (androgen receptor; plus strand). Cytogenetic location: Xq12.
Variant type: single nucleotide variant.
Coding change: c.1139C>G on transcript NM_000044.6 (MANE Select); coding-DNA position 1139, C replaced by G.
Protein change: p.Pro380Arg; replaces proline 380 with arginine.
Molecular consequence: missense variant. On other transcripts: 5 prime UTR variant (1).
Genome position (GRCh38, 1-based): chrX:67,546,285, C>G. VCF-style: chrX-67546285-C-G. GRCh37 (hg19) VCF-style: chrX-66766127-C-G.
Other names: c.-645C>G (NM_001011645.3); c.1139C>G, p.Pro380Arg (NM_001348061.1, NM_001348063.1, NM_001348064.1); short protein forms P380R.
Identifiers: ClinVar variation 434263 (VCV000434263.17), dbSNP rs200510049, ClinGen allele CA10436383.

ClinVar aggregate classification (germline): Conflicting classifications of pathogenicity. Review status: criteria provided, conflicting classifications (1 of 4 stars). 4 submissions from 4 submitters: Uncertain significance (2); Benign (1). 1 of the submissions does not count toward it. Last evaluated 2025-12-15.

Conditions:
Androgen resistance syndrome (AIS). Also called: ANDROGEN RECEPTOR DEFICIENCY; DIHYDROTESTOSTERONE RECEPTOR DEFICIENCY; Androgen insensitivity syndrome; TESTICULAR FEMINIZATION SYNDROME; Androgen insensitivity; Androgen insensitivity syndrome due to coactivator deficiency. Identifiers: Orphanet 754, Orphanet 99429, MedGen C0039585, MONDO:0019154, OMIM 300068. Disease mechanism: loss of function.
Kennedy disease (SMAX1). Also called: SPINAL AND BULBAR MUSCULAR ATROPHY, X-LINKED 1; Spinal and Bulbar Muscular Atrophy; KENNEDY SPINAL AND BULBAR MUSCULAR ATROPHY. Identifiers: Orphanet 481, MedGen C1839259, MONDO:0010735, OMIM 313200.
AR-related disorder. Also called: AR-related condition.

Allele frequency attached by ClinVar (database versions not stated): gnomAD exomes 0.00017 and 0.00056; ExAC 0.00095; gnomAD 0.00182 and 0.00194; TOPMed 0.00199; ESP Exome Variant Server 0.00230; 1000 Genomes Project 0.00291; 1000 Genomes Project 30x 0.00291.
gnomAD v4.1: 411 of 1,203,372 alleles (0.034%); highest among the groups gnomAD compares: African/African-American, 0.62%; 2 homozygotes.

Submissions (4):

Labcorp Genetics (formerly Invitae), Labcorp
Classification: Benign for Kennedy disease; Androgen resistance syndrome. Last evaluated: 2025-12-15. Review status: criteria provided, single submitter. Criteria: Invitae Variant Classification Sherloc (09022015). Collection method: clinical testing. Allele origin: germline.

GeneDx
Classification: Uncertain significance. Last evaluated: 2021-09-27. Review status: criteria provided, single submitter. Criteria: GeneDx Variant Classification Process June 2021. Collection method: clinical testing. Allele origin: germline. Affected: yes.
Comment: Published functional studies demonstrate reduced DHT-induced transactivation (Tadokoro-Cuccaro et al., 2014); Reported in individuals with partial androgen insensitivity syndrome (Audi et al., 2010; Bermejo-Costa et al., 2015); Missense variants in this gene are often considered pathogenic (HGMD); In silico analysis supports that this missense variant does not alter protein structure/function; This variant is associated with the following publications: (PMID: 25500996, 20150575, 26242926)

Genetic Services Laboratory, University of Chicago
Classification: Uncertain significance. Last evaluated: 2017-02-22. Review status: criteria provided, single submitter. Criteria: ACMG Guidelines, 2015. Collection method: clinical testing. Allele origin: germline. Affected: no.

PreventionGenetics, part of Exact Sciences
Classification: Likely benign for AR-related condition. Last evaluated: 2021-06-02. Review status: no assertion criteria provided. Collection method: clinical testing. Allele origin: germline. Not counted in ClinVar's aggregate classification.
Comment: This variant is classified as likely benign based on ACMG/AMP sequence variant interpretation guidelines (Richards et al. 2015 PMID: 25741868, with internal and published modifications).